The following is an entry in ClinVar:

ClinVar aggregate classification (germline): Pathogenic (1 of 4 stars; one submission).

Conditions:
Congenital glaucoma. Identifiers: MedGen C0020302, MONDO:0020366.

Submission:

Labcorp Genetics (formerly Invitae), Labcorp
Classification: Pathogenic for Congenital glaucoma. Last evaluated: 2022-02-18. Review status: criteria provided, single submitter. Criteria: Invitae Variant Classification Sherloc (09022015). Collection method: clinical testing. Allele origin: germline.
Comment: A gross deletion of the genomic region encompassing the full coding sequence of the CYP1B1 gene has been identified. Loss-of-function variants in CYP1B1 are known to be pathogenic (PMID: 9097971, 9497261, 19234632). The boundaries of this event are unknown as they extend beyond the assayed region for this gene and therefore may encompass additional genes. A similar copy number variant has been observed in individual(s) with primary congenital glaucoma (PMID: 31251480). For these reasons, this variant has been classified as Pathogenic.

Literature cited by the submitters: PubMed 9097971; PubMed 9497261; PubMed 19234632; PubMed 31251480.

NC_000002.11:g.(?_38297865)_(38917056_?)del

Genes: ATL2 (atlastin GTPase 2; minus strand), CYP1B1 (cytochrome P450 family 1 subfamily B member 1; minus strand), GALM (galactose mutarotase; plus strand), HNRNPLL (heterogeneous nuclear ribonucleoprotein L like; minus strand). Cytogenetic location: 2p22.2-22.1.
Variant type: Deletion.
Identifiers: ClinVar variation 2422363 (VCV002422363.5).